The following is an entry in ClinVar:

NM_004168.4(SDHA):c.1534C>T (p.Arg512Ter)

Gene: SDHA (succinate dehydrogenase complex flavoprotein subunit A; plus strand). Cytogenetic location: 5p15.33.
Variant type: single nucleotide variant.
Coding change: c.1534C>T on transcript NM_004168.4 (MANE Select); coding-DNA position 1534, C replaced by T.
Protein change: p.Arg512Ter; replaces arginine 512 with a stop codon.
Molecular consequence: nonsense.
Genome position (GRCh38, 1-based): chr5:240,459, C>T. VCF-style: chr5-240459-C-T. GRCh37 (hg19) VCF-style: chr5-240574-C-T.
Other names: p.Arg512*; c.1390C>T, p.Arg464Ter (NM_001294332.2); c.1534C>T, p.Arg512Ter (NM_001330758.2); short protein forms R512*, R464*.
Identifiers: ClinVar variation 371805 (VCV000371805.68), dbSNP rs748089700, ClinGen allele CA3173269.

ClinVar aggregate classification (germline): Pathogenic/Likely pathogenic. Review status: criteria provided, multiple submitters, no conflicts (2 of 4 stars). 19 submissions from 19 submitters: Pathogenic (13); Likely pathogenic (4). 2 of the submissions do not count toward it. Last evaluated 2026-06-03.

Conditions:
Dilated cardiomyopathy 1GG (CMD1GG). Identifiers: Orphanet 154, MedGen C3150898, MONDO:0013339, OMIM 613642.
Mitochondrial complex II deficiency, nuclear type 1. Also called: SUCCINATE CoQ REDUCTASE DEFICIENCY. Identifiers: Orphanet 3208, MedGen C5700310, MONDO:0100294, OMIM 252011.
Neurodegeneration with ataxia and late-onset optic atrophy. Identifiers: MedGen C5543254, MONDO:0031006, OMIM 619259.
Pheochromocytoma/paraganglioma syndrome 5. Also called: Paragangliomas 5; SDHA-Related Hereditary Paraganglioma-Pheochromocytoma Syndrome. Identifiers: Orphanet 29072, MedGen C3279992, MONDO:0013602, OMIM 614165.
Hereditary pheochromocytoma and paraganglioma. Also called: Hereditary Paraganglioma-Pheochromocytoma Syndromes; Hereditary paragangliomas and pheochromocytomas; Hereditary pheochromocytoma-paraganglioma. Identifiers: Orphanet 29072, MedGen C4274332, MONDO:0017366.
Opsoclonus-myoclonus syndrome. Also called: Infantile polymyoclonus; Kinsbourne syndrome; Dancing eyes-dancing feet syndrome. Identifiers: Orphanet 1183, MedGen C0393626, MONDO:0015247.
SDHA-related disorder. Also called: SDHA-related disorders; SDHA-related condition.
Hereditary cancer-predisposing syndrome. Also called: Tumor predisposition; Neoplastic Syndromes, Hereditary; Hereditary neoplastic syndrome; Hereditary Cancer Syndrome. Identifiers: Orphanet 140162, MedGen C0027672, MeSH D009386, MONDO:0015356.

Allele frequency attached by ClinVar (database versions not stated): TOPMed 0.00002; gnomAD exomes 0.00003 and 0.00007; ExAC 0.00005; gnomAD 0.00005.
gnomAD v4.1: 108 of 1,605,710 alleles (0.0067%); highest among the groups gnomAD compares: Non-Finnish European, 0.0083%; no homozygotes.

Submissions 1 to 13 of 19:

PreventionGenetics, part of Exact Sciences
Classification: Likely pathogenic for SDHA-related condition. Last evaluated: 2026-06-03. Review status: criteria provided, single submitter. Criteria: ACMG Guidelines, 2015. Collection method: clinical testing. Allele origin: germline.
Comment: The SDHA c.1534C>T variant is predicted to result in premature protein termination (p.Arg512*). This variant has been reported in individuals with paraganglioma (Papathomas et al. 2015. PubMed ID: 25720320; Cardot-Bauters et al. 2024. PubMed ID: 38815921) and gastrointestinal stromal tumors (GIST, Wagner et al. 2013. PubMed ID: 22955521). The variant was noted to segregate with GIST in one family (Whitworth et al. 2021. PubMed ID: 33854214). This variant is reported in 0.0078% of alleles in individuals of European (non-Finnish) descent in gnomAD and is interpreted as likely pathogenic or pathogenic in ClinVar (Variation ID: 371805). This variant is interpreted as likely pathogenic.

Labcorp Genetics (formerly Invitae), Labcorp
Classification: Pathogenic for Pheochromocytoma/paraganglioma syndrome 5; Mitochondrial complex II deficiency, nuclear type 1. Last evaluated: 2026-01-12. Review status: criteria provided, single submitter. Criteria: Invitae Variant Classification Sherloc (09022015). Collection method: clinical testing. Allele origin: germline.
Comment: This sequence change creates a premature translational stop signal (p.Arg512*) in the SDHA gene. It is expected to result in an absent or disrupted protein product. Loss-of-function variants in SDHA are known to be pathogenic (PMID: 22974104, 24781757). This variant is present in population databases (rs748089700, gnomAD 0.008%). This premature translational stop signal has been observed in individual(s) with paraganglioma and/or gastrointestinal stromal tumor (PMID: 22955521, 25720320). ClinVar contains an entry for this variant (Variation ID: 371805). RNA analysis performed to evaluate the impact of this premature translational stop signal on mRNA splicing indicates it does not significantly alter splicing (internal data). For these reasons, this variant has been classified as Pathogenic.

Ambry Genetics
Classification: Pathogenic for Hereditary cancer-predisposing syndrome. Last evaluated: 2024-10-28. Review status: criteria provided, single submitter. Criteria: Ambry Variant Classification Scheme 2023. Collection method: clinical testing. Allele origin: germline.
Comment: The p.R512* pathogenic mutation (also known as c.1534C>T), located in coding exon 11 of the SDHA gene, results from a C to T substitution at nucleotide position 1534. This changes the amino acid from an arginine to a stop codon within coding exon 11. This mutation has been reported in both the germline and in the tumor of an individual with an extra-adrenal paraganglioma and in the germline of an individual with a testis paraganglioma (Papathomas TG et al. Mod. Pathol. 2015 Jun;28:807-21; van der Tuin K et al. J. Clin. Endocrinol. Metab. 2018 02;103(2):438-445). This mutation has also been identified in several individuals with SDHA-deficient gastrointestinal stromal tumors (Wagner AJ et al. Mod Pathol, 2013 Feb;26:289-94; Jha A et al. Front Oncol, 2019 Feb;9:53). In addition to the clinical data presented in the literature, this alteration is expected to result in loss of function by premature protein truncation or nonsense-mediated mRNA decay. As such, this alteration is interpreted as a disease-causing mutation.

Baylor Genetics
Classification: Pathogenic for Dilated cardiomyopathy 1GG. Last evaluated: 2024-03-25. Review status: criteria provided, single submitter. Criteria: ACMG Guidelines, 2015. Collection method: clinical testing. Allele origin: unknown.

Quest Diagnostics Nichols Institute San Juan Capistrano
Classification: Pathogenic. Last evaluated: 2023-10-30. Review status: criteria provided, single submitter. Criteria: Quest Diagnostics criteria. Collection method: clinical testing. Allele origin: unknown.
Comment: The SDHA c.1534C>T (p.Arg512*) variant causes the premature termination of SDHA protein synthesis. This variant has been reported in the published literature in individuals affected with paragangliomas (PGL) (PMID: 25720320 (2015), 29177515 (2018), 30854332 (2019), 30877234 (2019), 36010880 (2022)) and gastrointestinal stromal tumors (GIST) (PMID: 22955521 (2013), 33854214 (2021)). The frequency of this variant in the general population, 0.000078 (10/128458 chromosomes (Genome Aggregation Database)), is uninformative in the assessment of its pathogenicity. Based on the available information, this variant is classified as pathogenic.

Revvity Omics, Revvity
Classification: Likely pathogenic. Last evaluated: 2023-08-08. Review status: criteria provided, single submitter. Criteria: ACMG Guidelines, 2015. Collection method: clinical testing. Allele origin: germline.

Myriad Genetics, Inc.
Classification: Pathogenic for Pheochromocytoma/paraganglioma syndrome 5. Last evaluated: 2023-04-21. Review status: criteria provided, single submitter. Criteria: Myriad Autosomal Dominant, Autosomal Recessive and X-Linked Classification Criteria (2023). Collection method: clinical testing. Allele origin: unknown.
Comment: This variant is considered pathogenic. This variant creates a termination codon and is predicted to result in premature protein truncation.

Laboratory for Molecular Medicine, Mass General Brigham Personalized Medicine
Classification: Pathogenic for Hereditary pheochromocytoma and paraganglioma. Last evaluated: 2022-06-30. Review status: criteria provided, single submitter. Criteria: ACMG Guidelines, 2015. Collection method: clinical testing. Allele origin: germline.
Comment: The p.Arg512X variant in SDHA has been reported in 5 individuals with SDHA-related tumors (paragangliomas, pheochromocytomas, GISTs) and segregated with disease in 2 affected individuals from 2 families (Wagner 2013 PMID: 22955521, Papathomas 2015 PMID: 25720320, van der tuin 2018 PMID: 29177515, Ben Aim 2019 PMID: 30877234, Whitworth 2021 PMID: 33854214). It has also been identified in 0.009% (6/68038) of European chromosomes by gnomAD v. 3. This variant has also been reported in ClinVar (Variation ID 371805). This nonsense variant leads to a premature termination codon at position 512, which is predicted to lead to a truncated or absent protein. Loss of function of the SDHA gene is an established disease mechanism in autosomal dominant Hereditary paraganglioma-pheochromocytoma syndrome. In summary, this variant meets criteria to be classified as pathogenic for autosomal dominant Hereditary paraganglioma-pheochromocytoma. ACMG/AMP Criteria applied: PS4, PVS1, PM2_P.

GeneDx
Classification: Pathogenic. Last evaluated: 2022-06-03. Review status: criteria provided, single submitter. Criteria: GeneDx Variant Classification Process June 2021. Collection method: clinical testing. Allele origin: germline. Affected: yes.
Comment: Nonsense variant predicted to result in protein truncation or nonsense mediated decay in a gene for which loss-of-function is a known mechanism of disease; Not observed at significant frequency in large population cohorts (gnomAD); Identified in patients with personal and family history consistent with pathogenic variants in this gene (Wagner 2013, Papathomas 2015, Maniam 2018, van der Tuin 2018, Ben Aim 2019); This variant is associated with the following publications: (PMID: 22955521, 25720320, 27011036, 28768491, 28546994, 24886695, 28748451, 23730622, 29978154, 31589614, 30877234, 31981491, 29177515, 32581362)

Blueprint Genetics
Classification: Pathogenic for SDHA-related disorders. Last evaluated: 2022-05-16. Review status: criteria provided, single submitter. Criteria: ACMG Guidelines, 2015. Collection method: clinical testing. Allele origin: germline. Affected: yes. Observed: 2 variant alleles.

CeGaT Center for Human Genetics Tuebingen
Classification: Likely pathogenic. Last evaluated: 2022-03-01. Review status: criteria provided, single submitter. Criteria: CeGaT Center For Human Genetics Tuebingen Variant Classification Criteria Version 2. Collection method: clinical testing. Allele origin: germline. Affected: yes. Observed: 1 variant allele.
Comment: SDHA: PVS1

Mayo Clinic Laboratories, Mayo Clinic
Classification: Likely pathogenic. Last evaluated: 2022-01-25. Review status: criteria provided, single submitter. Criteria: ACMG Guidelines, 2015. Collection method: clinical testing. Allele origin: germline. Observed: 1 variant allele.
Comment: PP4, PVS1

AiLife Diagnostics
Classification: Pathogenic. Last evaluated: 2022-01-01. Review status: criteria provided, single submitter. Criteria: ACMG Guidelines, 2015. Collection method: clinical testing. Allele origin: germline. Affected: yes. Observed: 2 variant alleles.